The following is an entry in ClinVar:

NM_181078.3(IL21R):c.1583C>T (p.Pro528Leu)

Genes: IL21R (interleukin 21 receptor; plus strand), IL21R-AS1 (IL21R antisense RNA 1; minus strand). Cytogenetic location: 16p12.1.
Variant type: single nucleotide variant.
Coding change: c.1583C>T on transcript NM_181078.3 (MANE Select); coding-DNA position 1583, C replaced by T.
Protein change: p.Pro528Leu; replaces proline 528 with leucine.
Molecular consequence: missense variant. On other transcripts: non-coding transcript variant (1).
Genome position (GRCh38, 1-based): chr16:27,449,249, C>T. VCF-style: chr16-27449249-C-T. GRCh37 (hg19) VCF-style: chr16-27460570-C-T.
Other names: c.1649C>T (NM_181079.4); c.1583C>T, p.Pro528Leu (NM_021798.4); c.1649C>T, p.Pro550Leu (NM_181079.5); short protein forms P528L, P550L.
Identifiers: ClinVar variation 962089 (VCV000962089.7), dbSNP rs376045198, ClinGen allele CA7975234.

ClinVar aggregate classification (germline): Uncertain significance. Review status: criteria provided, multiple submitters, no conflicts (2 of 4 stars). 3 submissions from 3 submitters: Uncertain significance (3). Last evaluated 2025-04-08.

Conditions:
Inborn genetic diseases. Identifiers: MedGen C0950123, MeSH D030342.
Cryptosporidiosis-chronic cholangitis-liver disease syndrome. Also called: IL21R immunodeficiency; Immunodeficiency type 56. Identifiers: Orphanet 357329, MedGen C3554687, MONDO:0014082, OMIM 615207.

Allele frequency attached by ClinVar (database versions not stated): ExAC 0.00003; gnomAD 0.00003; TOPMed 0.00007; ESP Exome Variant Server 0.00008.

Submissions (3):

Ambry Genetics
Classification: Uncertain significance for Inborn genetic diseases. Last evaluated: 2025-04-08. Review status: criteria provided, single submitter. Criteria: Ambry Variant Classification Scheme 2023. Collection method: clinical testing. Allele origin: germline.

Blueprint Genetics
Classification: Uncertain significance. Last evaluated: 2024-01-03. Review status: criteria provided, single submitter. Criteria: ACMG Guidelines, 2015. Collection method: clinical testing. Allele origin: germline.

Labcorp Genetics (formerly Invitae), Labcorp
Classification: Uncertain significance for Cryptosporidiosis-chronic cholangitis-liver disease syndrome. Last evaluated: 2022-03-19. Review status: criteria provided, single submitter. Criteria: Invitae Variant Classification Sherloc (09022015). Collection method: clinical testing. Allele origin: germline.
Comment: This sequence change replaces proline, which is neutral and non-polar, with leucine, which is neutral and non-polar, at codon 528 of the IL21R protein (p.Pro528Leu). This variant is present in population databases (rs376045198, gnomAD 0.004%). This variant has not been reported in the literature in individuals affected with IL21R-related conditions. ClinVar contains an entry for this variant (Variation ID: 962089). Algorithms developed to predict the effect of missense changes on protein structure and function are either unavailable or do not agree on the potential impact of this missense change (SIFT: "Deleterious"; PolyPhen-2: "Probably Damaging"; Align-GVGD: "Class C0"). In summary, the available evidence is currently insufficient to determine the role of this variant in disease. Therefore, it has been classified as a Variant of Uncertain Significance.